The following is an entry in ClinVar:

ClinVar aggregate classification (germline): Likely benign (1 of 4 stars; one submission).

Allele frequency attached by ClinVar (database versions not stated): gnomAD exomes 0.00001; ExAC 0.00001; TOPMed 0.00001.
gnomAD v4.1: 3 of 1,526,630 alleles (0.0002%); highest among the groups gnomAD compares: Middle Eastern, 0.017%; no homozygotes.

Submission:

GeneDx
Classification: Likely benign. Last evaluated: 2017-06-28. Review status: criteria provided, single submitter. Criteria: GeneDx Variant Classification (06012015). Collection method: clinical testing. Allele origin: germline. Affected: yes.
Comment: This variant is considered likely benign or benign based on one or more of the following criteria: it is a conservative change, it occurs at a poorly conserved position in the protein, it is predicted to be benign by multiple in silico algorithms, and/or has population frequency not consistent with disease.

NM_005654.6(NR2F1):c.991+19G>A

Gene: NR2F1 (nuclear receptor subfamily 2 group F member 1; plus strand). Cytogenetic location: 5q15.
Variant type: single nucleotide variant.
Coding change: c.991+19G>A on transcript NM_005654.6 (MANE Select); 19 bases into the intron after coding-DNA position 991, G replaced by A.
Molecular consequence: intron variant.
Genome position (GRCh38, 1-based): chr5:93,588,463, G>A. VCF-style: chr5-93588463-G-A. GRCh37 (hg19) VCF-style: chr5-92924169-G-A.
Identifiers: ClinVar variation 518199 (VCV000518199.1), dbSNP rs781016741, ClinGen allele CA3343200.